The following is an entry in ClinVar:

NM_004204.5(PIGQ):c.412C>G (p.Leu138Val)

Gene: PIGQ (phosphatidylinositol glycan anchor biosynthesis class Q; plus strand). Cytogenetic location: 16p13.3.
Variant type: single nucleotide variant.
Coding change: c.412C>G on transcript NM_004204.5 (MANE Select); coding-DNA position 412, C replaced by G.
Protein change: p.Leu138Val; replaces leucine 138 with valine.
Molecular consequence: missense variant.
Genome position (GRCh38, 1-based): chr16:574,486, C>G. VCF-style: chr16-574486-C-G. GRCh37 (hg19) VCF-style: chr16-624486-C-G.
Other names: c.412C>G, p.Leu138Val (NM_148920.4); short protein forms L138V.
Identifiers: ClinVar variation 969724 (VCV000969724.9), dbSNP rs139840454, ClinGen allele CA394048095.

ClinVar aggregate classification (germline): Uncertain significance (1 of 4 stars; one submission).

Conditions:
Epilepsy. Also called: Seizure disorder. Identifiers: MedGen C0014544, MeSH D004827, MONDO:0005027.

Submission:

Labcorp Genetics (formerly Invitae), Labcorp
Classification: Uncertain significance for Epilepsy. Last evaluated: 2019-10-18. Review status: criteria provided, single submitter. Criteria: Invitae Variant Classification Sherloc (09022015). Collection method: clinical testing. Allele origin: germline.
Comment: This sequence change replaces leucine with valine at codon 138 of the PIGQ protein (p.Leu138Val). The leucine residue is moderately conserved and there is a small physicochemical difference between leucine and valine. This variant is not present in population databases (ExAC no frequency). In summary, the available evidence is currently insufficient to determine the role of this variant in disease. Therefore, it has been classified as a Variant of Uncertain Significance. Algorithms developed to predict the effect of missense changes on protein structure and function are either unavailable or do not agree on the potential impact of this missense change (SIFT: "Tolerated"; PolyPhen-2: "Possibly Damaging"; Align-GVGD: "Class C0"). This variant has not been reported in the literature in individuals with PIGQ-related conditions.